The following is an entry in ClinVar:

ClinVar aggregate classification (germline): Benign (1 of 4 stars; one submission).

Conditions:
Osteopetrosis. Identifiers: Orphanet 2781, MedGen C0029454, MONDO:0017198, HP:0011002.

Allele frequency attached by ClinVar (database versions not stated): ExAC 0.00009; gnomAD exomes 0.00010 and 0.00017; 1000 Genomes Project 0.00080; 1000 Genomes Project 30x 0.00094; gnomAD 0.00096 and 0.00107; TOPMed 0.00098.
gnomAD v4.1: 208 of 702,298 alleles (0.03%); highest among the groups gnomAD compares: African/African-American, 0.33%; 2 homozygotes.

Submission:

Illumina Laboratory Services, Illumina
Classification: Benign for Osteopetrosis. Last evaluated: 2017-05-16. Review status: criteria provided, single submitter. Criteria: ICSL Variant Classification Criteria 13 December 2019. Collection method: clinical testing. Allele origin: germline.
Comment: This variant was observed as part of a predisposition screen in an ostensibly healthy population. A literature search was performed for the gene, cDNA change, and amino acid change (where applicable). No publications were found based on this search. Allele frequency data from public databases was too high to be consistent with this variant causing disease. Therefore, this variant is classified as benign.

NM_001287.6(CLCN7):c.*262G>A

Gene: CLCN7 (chloride voltage-gated channel 7; minus strand). Cytogenetic location: 16p13.3.
Variant type: single nucleotide variant.
Coding change: c.*262G>A on transcript NM_001287.6 (MANE Select); 262 bases downstream of the stop codon, G replaced by A.
Molecular consequence: 3 prime UTR variant.
Genome position (GRCh38, 1-based): chr16:1,446,369, C>T on the plus strand (G>A on the coding strand, the complement: CLCN7 is on the minus strand). VCF-style: chr16-1446369-C-T. GRCh37 (hg19) VCF-style: chr16-1496370-C-T.
Other names: c.*262G>A (NM_001114331.3).
Identifiers: ClinVar variation 884260 (VCV000884260.4), dbSNP rs572569244, ClinGen allele CA7809785.